The following is an entry in ClinVar:

ClinVar aggregate classification (germline): Likely benign (1 of 4 stars; one submission).

Allele frequency attached by ClinVar (database versions not stated): gnomAD 0.00046; ExAC 0.00061; TOPMed 0.00062; ESP Exome Variant Server 0.00077.
gnomAD v4.1: 604 of 1,605,468 alleles (0.038%); highest among the groups gnomAD compares: Admixed American, 0.11%; 3 homozygotes.

Submission:

CeGaT Center for Human Genetics Tuebingen
Classification: Likely benign. Last evaluated: 2023-07-01. Review status: criteria provided, single submitter. Criteria: CeGaT Center For Human Genetics Tuebingen Variant Classification Criteria Version 2. Collection method: clinical testing. Allele origin: germline. Affected: yes. Observed: 1 variant allele.
Comment: KDM4B: BP4, BP7

NM_015015.3(KDM4B):c.2628G>A (p.Thr876=)

Gene: KDM4B (lysine demethylase 4B; plus strand). Cytogenetic location: 19p13.3.
Variant type: single nucleotide variant.
Coding change: c.2628G>A on transcript NM_015015.3 (MANE Select); coding-DNA position 2628, G replaced by A.
Protein change: p.Thr876=; no amino-acid change (threonine 876 retained).
Molecular consequence: synonymous variant.
Genome position (GRCh38, 1-based): chr19:5,144,044, G>A. VCF-style: chr19-5144044-G-A. GRCh37 (hg19) VCF-style: chr19-5144055-G-A.
Other names: c.2730G>A, p.Thr910= (NM_001411148.1).
Identifiers: ClinVar variation 2578816 (VCV002578816.25), dbSNP rs139226669, ClinGen allele CA9108323.